The following is an entry in ClinVar:

NM_003482.4(KMT2D):c.7743A>C (p.Thr2581=)

Gene: KMT2D (lysine methyltransferase 2D; minus strand). Cytogenetic location: 12q13.12.
Variant type: single nucleotide variant.
Coding change: c.7743A>C on transcript NM_003482.4 (MANE Select); coding-DNA position 7743, A replaced by C.
Protein change: p.Thr2581=; no amino-acid change (threonine 2581 retained).
Molecular consequence: synonymous variant.
Genome position (GRCh38, 1-based): chr12:49,040,027, T>G on the plus strand (A>C on the coding strand, the complement: KMT2D is on the minus strand). VCF-style: chr12-49040027-T-G. GRCh37 (hg19) VCF-style: chr12-49433810-T-G.
Identifiers: ClinVar variation 3029820 (VCV003029820.3), dbSNP rs1351104014, ClinGen allele CA479711423.

ClinVar aggregate classification (germline): Benign. Review status: criteria provided, single submitter (1 of 4 stars). 2 submissions from 2 submitters: Benign (1). 1 of the submissions does not count toward it. Last evaluated 2026-01-04.

Conditions:
Kabuki syndrome. Also called: NIIKAWA-KUROKI SYNDROME; Kabuki make-up syndrome. Identifiers: Orphanet 2322, MedGen C0796004, MONDO:0016512.
KMT2D-related disorder. Also called: KMT2D-Related Disorders.

Allele frequency attached by ClinVar (database versions not stated): gnomAD exomes below 0.00001.

Submissions (2):

Labcorp Genetics (formerly Invitae), Labcorp
Classification: Benign for Kabuki syndrome. Last evaluated: 2026-01-04. Review status: criteria provided, single submitter. Criteria: Invitae Variant Classification Sherloc (09022015). Collection method: clinical testing. Allele origin: germline.

PreventionGenetics, part of Exact Sciences
Classification: Likely benign for KMT2D-related condition. Last evaluated: 2022-02-11. Review status: no assertion criteria provided. Collection method: clinical testing. Allele origin: germline. Not counted in ClinVar's aggregate classification.
Comment: This variant is classified as likely benign based on ACMG/AMP sequence variant interpretation guidelines (Richards et al. 2015 PMID: 25741868, with internal and published modifications).